The following is an entry in ClinVar:

NM_024312.5(GNPTAB):c.745G>T (p.Glu249Ter)

Gene: GNPTAB (N-acetylglucosamine-1-phosphate transferase subunits alpha and beta; minus strand). Cytogenetic location: 12q23.2.
Variant type: single nucleotide variant.
Coding change: c.745G>T on transcript NM_024312.5 (MANE Select); coding-DNA position 745, G replaced by T.
Protein change: p.Glu249Ter; replaces glutamic acid 249 with a stop codon.
Molecular consequence: nonsense.
Genome position (GRCh38, 1-based): chr12:101,780,178, C>A on the plus strand (G>T on the coding strand, the complement: GNPTAB is on the minus strand). VCF-style: chr12-101780178-C-A. GRCh37 (hg19) VCF-style: chr12-102173956-C-A.
Other names: short protein forms E249*.
Identifiers: ClinVar variation 1726414 (VCV001726414.3), dbSNP rs2547967537, ClinGen allele CA386304363.

ClinVar aggregate classification (germline): Likely pathogenic (1 of 4 stars; one submission).

Conditions:
GNPTAB-mucolipidosis. Also called: UDP-N-acetylglucosamine-1-phosphotransferase subunit alpha/beta deficiency. Identifiers: MedGen CN322573, MONDO:0100122.

Submission:

Myriad Genetics, Inc.
Classification: Likely pathogenic for GNPTAB-mucolipidosis. Last evaluated: 2021-12-17. Review status: criteria provided, single submitter. Criteria: Myriad Autosomal Dominant, Autosomal Recessive and X-Linked Classification Criteria (2023). Collection method: clinical testing. Allele origin: unknown.
Comment: NM_024312.4(GNPTAB):c.745G>T(E249*) is expected to be pathogenic in the context of GNPTAB-related disorders. This variant is predicted to lead to an abnormal or absent protein product due to the creation of a premature termination codon in GNPTAB, a gene where loss-of-function variants are known to be pathogenic. Please note: this variant was assessed in the context of healthy population screening.